The following is an entry in ClinVar:

ClinVar aggregate classification (germline): Uncertain significance (1 of 4 stars; one submission).

Conditions:
Congenital contractural arachnodactyly (CCA). Also called: Arthrogryposis, distal, type 9; BEALS SYNDROME; Beals-Hecht syndrome. Identifiers: Orphanet 115, MedGen C0220668, MONDO:0007363, OMIM 121050.

Submission:

Labcorp Genetics (formerly Invitae), Labcorp
Classification: Uncertain significance for Congenital contractural arachnodactyly. Last evaluated: 2025-10-24. Review status: criteria provided, single submitter. Criteria: Invitae Variant Classification Sherloc (09022015). Collection method: clinical testing. Allele origin: germline.
Comment: This sequence change replaces methionine, which is neutral and non-polar, with valine, which is neutral and non-polar, at codon 1249 of the FBN2 protein (p.Met1249Val). This variant is not present in population databases (gnomAD no frequency). This variant has not been reported in the literature in individuals affected with FBN2-related conditions. Invitae Evidence Modeling of protein sequence and biophysical properties (such as structural, functional, and spatial information, amino acid conservation, physicochemical variation, residue mobility, and thermodynamic stability) indicates that this missense variant is not expected to disrupt FBN2 protein function with a negative predictive value of 80%. In summary, the available evidence is currently insufficient to determine the role of this variant in disease. Therefore, it has been classified as a Variant of Uncertain Significance.

NM_001999.4(FBN2):c.3745A>G (p.Met1249Val)

Gene: FBN2 (fibrillin 2; minus strand). Cytogenetic location: 5q23.3.
Variant type: single nucleotide variant.
Coding change: c.3745A>G on transcript NM_001999.4 (MANE Select); coding-DNA position 3745, A replaced by G.
Protein change: p.Met1249Val; replaces methionine 1249 with valine.
Molecular consequence: missense variant.
Genome position (GRCh38, 1-based): chr5:128,335,557, T>C on the plus strand (A>G on the coding strand, the complement: FBN2 is on the minus strand). VCF-style: chr5-128335557-T-C. GRCh37 (hg19) VCF-style: chr5-127671249-T-C.
Other names: short protein forms M1249V.
Identifiers: ClinVar variation 4701432 (VCV004701432.1).